The following is an entry in ClinVar:

NM_004304.5(ALK):c.5G>C (p.Gly2Ala)

Gene: ALK (ALK receptor tyrosine kinase; minus strand). Cytogenetic location: 2p23.1.
Variant type: single nucleotide variant.
Coding change: c.5G>C on transcript NM_004304.5 (MANE Select); coding-DNA position 5, G replaced by C.
Protein change: p.Gly2Ala; replaces glycine 2 with alanine.
Molecular consequence: missense variant.
Genome position (GRCh38, 1-based): chr2:29,920,655, C>G on the plus strand (G>C on the coding strand, the complement: ALK is on the minus strand). VCF-style: chr2-29920655-C-G. GRCh37 (hg19) VCF-style: chr2-30143521-C-G.
Other names: c.5G>C (NM_004304.4); short protein forms G2A.
Identifiers: ClinVar variation 2676042 (VCV002676042.2), dbSNP rs1459946897, ClinGen allele CA346590867.
Genomic context (GRCh38, chr2:29,920,655, plus strand): 5'-CCGGAGCCCACAGCTGCCGTGGAAAGCAGCAGCGGCAGGAGCCACAGGAGCCCGATGGCT[C>G]CCATCCCGCCGGAGGAGGCCGTTTACACTGCTCTCCGGGCCCAGCCTCACCCTTCGCTCT-3'
Protein context (NP_004295.2, residues 1-12): M[Gly2Ala]AIGLLWLLPL

ClinVar aggregate classification (germline): Uncertain significance. Review status: criteria provided, multiple submitters, no conflicts (2 of 4 stars). 2 submissions from 2 submitters: Uncertain significance (2). Last evaluated 2026-04-30.

Conditions:
Hereditary cancer-predisposing syndrome. Also called: Tumor predisposition; Hereditary neoplastic syndrome; Neoplastic Syndromes, Hereditary; Hereditary Cancer Syndrome. Identifiers: Orphanet 140162, MedGen C0027672, MeSH D009386, MONDO:0015356.
Neuroblastoma, susceptibility to, 3. Also called: ALK-Related Neuroblastic Tumor Susceptibility. Identifiers: Orphanet 635, MedGen C2751681, MONDO:0013083, OMIM 613014.

Allele frequency attached by ClinVar (database versions not stated): TOPMed below 0.00001; gnomAD 0.00001.
gnomAD v4.1: 1 of 1,536,010 alleles (0.000065%); highest among the groups gnomAD compares: Non-Finnish European, 0.000087%; no homozygotes.

Submissions (2):

Ambry Genetics
Classification: Uncertain significance for Hereditary cancer-predisposing syndrome. Last evaluated: 2026-04-30. Review status: criteria provided, single submitter. Criteria: Ambry Variant Classification Scheme 2023. Collection method: clinical testing. Allele origin: germline.
Comment: The p.G2A variant (also known as c.5G>C), located in coding exon 1 of the ALK gene, results from a G to C substitution at nucleotide position 5. The glycine at codon 2 is replaced by alanine, an amino acid with similar properties. This amino acid position is not well conserved in available vertebrate species. In addition, this alteration is predicted to be tolerated by in silico analysis. Based on the available evidence, the clinical significance of this variant remains unclear.

Baylor Genetics
Classification: Uncertain significance for Neuroblastoma, susceptibility to, 3. Last evaluated: 2023-08-05. Review status: criteria provided, single submitter. Criteria: ACMG Guidelines, 2015. Collection method: clinical testing. Allele origin: unknown.